The following is an entry in ClinVar:

NM_000617.3(SLC11A2):c.34+11G>A

Gene: SLC11A2 (solute carrier family 11 member 2; minus strand). Cytogenetic location: 12q13.12.
Variant type: single nucleotide variant.
Coding change: c.34+11G>A on transcript NM_000617.3 (MANE Select); 11 bases into the intron after coding-DNA position 34, G replaced by A.
Molecular consequence: intron variant.
Genome position (GRCh38, 1-based): chr12:51,010,684, C>T on the plus strand (G>A on the coding strand, the complement: SLC11A2 is on the minus strand). VCF-style: chr12-51010684-C-T. GRCh37 (hg19) VCF-style: chr12-51404467-C-T.
Other names: c.121+11G>A (NM_001379446.1, NM_001379455.1, NM_001174125.2); c.3+11G>A (NM_001414747.1, NM_001414748.1); c.34+11G>A (NM_001174127.2, NM_001414744.1, NM_001174126.2 and 5 more transcripts).
Identifiers: ClinVar variation 309323 (VCV000309323.20), dbSNP rs427020, ClinGen allele CA6566906.

ClinVar aggregate classification (germline): Benign/Likely benign. Review status: criteria provided, multiple submitters, no conflicts (2 of 4 stars). 4 submissions from 4 submitters: Benign (3); Likely benign (1). Last evaluated 2026-02-04.

Conditions:
Microcytic anemia with liver iron overload. Also called: Anemia, hypochromic microcytic, with iron overload 1. Identifiers: Orphanet 83642, MedGen C3806153, MONDO:0008787, OMIM 206100.

Allele frequency attached by ClinVar (database versions not stated): 1000 Genomes Project 0.31190; 1000 Genomes Project 30x 0.32370; TOPMed 0.43938; gnomAD exomes 0.45074 and 0.50102; ExAC 0.45250; gnomAD 0.45327 and 0.46181; ESP Exome Variant Server 0.47086.
gnomAD v4.1: 714,538 of 1,444,066 alleles (49%); highest among the groups gnomAD compares: Non-Finnish European, 55%; 187,038 homozygotes.

Submissions (4):

Labcorp Genetics (formerly Invitae), Labcorp
Classification: Benign. Last evaluated: 2026-02-04. Review status: criteria provided, single submitter. Criteria: Invitae Variant Classification Sherloc (09022015). Collection method: clinical testing. Allele origin: germline.

Blueprint Genetics
Classification: Likely benign. Last evaluated: 2024-11-27. Review status: criteria provided, single submitter. Criteria: ACMG Guidelines, 2015. Collection method: clinical testing. Allele origin: germline.

Illumina Laboratory Services, Illumina
Classification: Benign for Microcytic anemia with liver iron overload. Last evaluated: 2018-01-13. Review status: criteria provided, single submitter. Criteria: ICSL Variant Classification Criteria 13 December 2019. Collection method: clinical testing. Allele origin: germline.
Comment: This variant was observed in the ICSL laboratory as part of a predisposition screen in an ostensibly healthy population. It had not been previously curated by ICSL or reported in the Human Gene Mutation Database (HGMD: prior to June 1st, 2018), and was therefore a candidate for classification through an automated scoring system. Utilizing variant allele frequency, disease prevalence and penetrance estimates, and inheritance mode, an automated score was calculated to assess if this variant is too frequent to cause the disease. Based on the score and internal cut-off values, a variant classified as benign is not then subjected to further curation. The score for this variant resulted in a classification of benign for this disease.

Breakthrough Genomics
Classification: Benign. Review status: criteria provided, single submitter. Criteria: ACMG Guidelines, 2015. Collection method: not provided. Allele origin: germline. Inheritance: Autosomal recessive inheritance. Affected: yes.